The following is an entry in ClinVar:

ClinVar aggregate classification (germline): Uncertain significance (1 of 4 stars; one submission).

Conditions:
Cardiovascular phenotype. Identifiers: MedGen CN230736.

Allele frequency attached by ClinVar (database versions not stated): gnomAD exomes below 0.00001.

Submission:

Ambry Genetics
Classification: Uncertain significance for Cardiovascular phenotype. Last evaluated: 2023-11-23. Review status: criteria provided, single submitter. Criteria: Ambry Variant Classification Scheme 2023. Collection method: clinical testing. Allele origin: germline.
Comment: The p.V206M variant (also known as c.616G>A), located in coding exon 3 of the APOA5 gene, results from a G to A substitution at nucleotide position 616. The valine at codon 206 is replaced by methionine, an amino acid with highly similar properties. This amino acid position is conserved. In addition, the in silico prediction for this alteration is inconclusive. Since supporting evidence is limited at this time, the clinical significance of this alteration remains unclear.

NM_001371904.1(APOA5):c.616G>A (p.Val206Met)

Gene: APOA5 (apolipoprotein A5; minus strand). Cytogenetic location: 11q23.3.
Variant type: single nucleotide variant.
Coding change: c.616G>A on transcript NM_001371904.1 (MANE Select); coding-DNA position 616, G replaced by A.
Protein change: p.Val206Met; replaces valine 206 with methionine.
Molecular consequence: missense variant.
Genome position (GRCh38, 1-based): chr11:116,790,613, C>T on the plus strand (G>A on the coding strand, the complement: APOA5 is on the minus strand). VCF-style: chr11-116790613-C-T. GRCh37 (hg19) VCF-style: chr11-116661329-C-T.
Other names: c.616G>A, p.Val206Met (NM_001166598.2, NM_052968.5); short protein forms V206M.
Identifiers: ClinVar variation 3228886 (VCV003228886.1), dbSNP rs1343847704, ClinGen allele CA382737798.